The following is an entry in ClinVar:

NM_000094.4(COL7A1):c.6691C>A (p.Pro2231Thr)

Gene: COL7A1 (collagen type VII alpha 1 chain; minus strand). Cytogenetic location: 3p21.31.
Variant type: single nucleotide variant.
Coding change: c.6691C>A on transcript NM_000094.4 (MANE Select); coding-DNA position 6691, C replaced by A.
Protein change: p.Pro2231Thr; replaces proline 2231 with threonine.
Molecular consequence: missense variant.
Genome position (GRCh38, 1-based): chr3:48,573,197, G>T on the plus strand (C>A on the coding strand, the complement: COL7A1 is on the minus strand). VCF-style: chr3-48573197-G-T. GRCh37 (hg19) VCF-style: chr3-48610630-G-T.
Other names: short protein forms P2231T.
Identifiers: ClinVar variation 1349035 (VCV001349035.8), dbSNP rs369838476, ClinGen allele CA352655477.

ClinVar aggregate classification (germline): Uncertain significance (1 of 4 stars; one submission).

gnomAD v4.1: 4 of 1,614,126 alleles (0.00025%); highest among the groups gnomAD compares: South Asian, 0.0011%; no homozygotes.

Submission:

Labcorp Genetics (formerly Invitae), Labcorp
Classification: Uncertain significance. Last evaluated: 2021-06-29. Review status: criteria provided, single submitter. Criteria: Invitae Variant Classification Sherloc (09022015). Collection method: clinical testing. Allele origin: germline.
Comment: This sequence change replaces proline with threonine at codon 2231 of the COL7A1 protein (p.Pro2231Thr). The proline residue is highly conserved and there is a small physicochemical difference between proline and threonine. This variant is not present in population databases (ExAC no frequency). This variant has not been reported in the literature in individuals with COL7A1-related conditions. Advanced modeling of protein sequence and biophysical properties (such as structural, functional, and spatial information, amino acid conservation, physicochemical variation, residue mobility, and thermodynamic stability) performed at Invitae indicates that this missense variant is not expected to disrupt COL7A1 protein function. In summary, the available evidence is currently insufficient to determine the role of this variant in disease. Therefore, it has been classified as a Variant of Uncertain Significance.